The following is an entry in ClinVar:

ClinVar aggregate classification (germline): Uncertain significance (1 of 4 stars; one submission).

Submission:

Labcorp Genetics (formerly Invitae), Labcorp
Classification: Uncertain significance. Last evaluated: 2022-07-25. Review status: criteria provided, single submitter. Criteria: Invitae Variant Classification Sherloc (09022015). Collection method: clinical testing. Allele origin: germline.
Comment: In summary, the available evidence is currently insufficient to determine the role of this variant in disease. Therefore, it has been classified as a Variant of Uncertain Significance. Algorithms developed to predict the effect of missense changes on protein structure and function are either unavailable or do not agree on the potential impact of this missense change (SIFT: "Deleterious"; PolyPhen-2: "Benign"; Align-GVGD: "Class C0"). This variant has not been reported in the literature in individuals affected with SBF1-related conditions. This variant is not present in population databases (gnomAD no frequency). This sequence change replaces serine, which is neutral and polar, with alanine, which is neutral and non-polar, at codon 1430 of the SBF1 protein (p.Ser1430Ala).

NM_002972.4(SBF1):c.4288T>G (p.Ser1430Ala)

Gene: SBF1 (SET binding factor 1; minus strand). Cytogenetic location: 22q13.33.
Variant type: single nucleotide variant.
Coding change: c.4288T>G on transcript NM_002972.4 (MANE Select); coding-DNA position 4288, T replaced by G.
Protein change: p.Ser1430Ala; replaces serine 1430 with alanine.
Molecular consequence: missense variant.
Genome position (GRCh38, 1-based): chr22:50,455,561, A>C on the plus strand (T>G on the coding strand, the complement: SBF1 is on the minus strand). VCF-style: chr22-50455561-A-C. GRCh37 (hg19) VCF-style: chr22-50893990-A-C.
Other names: c.4213T>G, p.Ser1405Ala (NM_001365819.1); c.4291T>G, p.Ser1431Ala (NM_001410794.1); c.4210T>G, p.Ser1404Ala (NM_001410795.1); c.4288T>G, p.Ser1430Ala (NM_197971.1); short protein forms S1405A, S1431A, S1404A, S1430A.
Identifiers: ClinVar variation 2019549 (VCV002019549.4), dbSNP rs2521839446, ClinGen allele CA412196604.